The following is an entry in ClinVar:

ClinVar aggregate classification (germline): Uncertain significance (1 of 4 stars; one submission).

Submission:

GeneDx
Classification: Uncertain significance. Last evaluated: 2022-02-04. Review status: criteria provided, single submitter. Criteria: GeneDx Variant Classification Process June 2021. Collection method: clinical testing. Allele origin: germline. Affected: yes.
Comment: Not observed at significant frequency in large population cohorts (gnomAD); In silico analysis supports that this missense variant has a deleterious effect on protein structure/function, and suggests this variant may impact gene splicing. In the absence of RNA/functional studies, the actual effect of this sequence change is unknown.; Has not been previously published as pathogenic or benign to our knowledge

NM_006180.6(NTRK2):c.1094A>G (p.Asn365Ser)

Gene: NTRK2 (neurotrophic receptor tyrosine kinase 2; plus strand). Cytogenetic location: 9q21.33.
Variant type: single nucleotide variant.
Coding change: c.1094A>G on transcript NM_006180.6 (MANE Select); coding-DNA position 1094, A replaced by G.
Protein change: p.Asn365Ser; replaces asparagine 365 with serine.
Molecular consequence: missense variant.
Genome position (GRCh38, 1-based): chr9:84,727,894, A>G. VCF-style: chr9-84727894-A-G. GRCh37 (hg19) VCF-style: chr9-87342809-A-G.
Other names: c.1094A>G, p.Asn365Ser (NM_001007097.3, NM_001018064.3, NM_001018065.2 and 16 more transcripts); c.1055A>G, p.Asn352Ser (NM_001291937.2, NM_001369546.1); c.626A>G, p.Asn209Ser (NM_001369535.1, NM_001369536.1, NM_001369550.1 and 2 more transcripts); short protein forms N209S, N352S, N365S.
Identifiers: ClinVar variation 1700430 (VCV001700430.2), dbSNP rs2132082157, ClinGen allele CA374009034.
Genomic context (GRCh38, chr9:84,727,894, plus strand): 5'-GCCTCCAGCTGGATAATCCCACTCACATGAACAATGGGGACTACACTCTAATAGCCAAGA[A>G]TGAGTATGGGAAGGATGAGAAACAGATTTCTGCTCACTTCATGGGCTGGCCTGGAATTGA-3'
Protein context (NP_006171.2, residues 355-375): NNGDYTLIAK[Asn365Ser]EYGKDEKQIS